The following is an entry in ClinVar:

ClinVar aggregate classification (germline): Uncertain significance (1 of 4 stars; one submission).

Allele frequency attached by ClinVar (database versions not stated): gnomAD exomes below 0.00001.
gnomAD v4.1: 2 of 1,614,120 alleles (0.00012%); highest among the groups gnomAD compares: Non-Finnish European, 0.000085%; no homozygotes.

Submission:

Labcorp Genetics (formerly Invitae), Labcorp
Classification: Uncertain significance. Last evaluated: 2022-08-15. Review status: criteria provided, single submitter. Criteria: Invitae Variant Classification Sherloc (09022015). Collection method: clinical testing. Allele origin: germline.
Comment: In summary, the available evidence is currently insufficient to determine the role of this variant in disease. Therefore, it has been classified as a Variant of Uncertain Significance. Algorithms developed to predict the effect of missense changes on protein structure and function (SIFT, PolyPhen-2, Align-GVGD) all suggest that this variant is likely to be disruptive. ClinVar contains an entry for this variant (Variation ID: 1428129). This variant has not been reported in the literature in individuals affected with LIG1-related conditions. This variant is present in population databases (no rsID available, gnomAD no frequency). This sequence change replaces glycine, which is neutral and non-polar, with aspartic acid, which is acidic and polar, at codon 344 of the LIG1 protein (p.Gly344Asp).

NM_000234.3(LIG1):c.1031G>A (p.Gly344Asp)

Gene: LIG1 (DNA ligase 1; minus strand). Cytogenetic location: 19q13.33.
Variant type: single nucleotide variant.
Coding change: c.1031G>A on transcript NM_000234.3 (MANE Select); coding-DNA position 1031, G replaced by A.
Protein change: p.Gly344Asp; replaces glycine 344 with aspartic acid.
Molecular consequence: missense variant. On other transcripts: non-coding transcript variant (6).
Genome position (GRCh38, 1-based): chr19:48,140,027, C>T on the plus strand (G>A on the coding strand, the complement: LIG1 is on the minus strand). VCF-style: chr19-48140027-C-T. GRCh37 (hg19) VCF-style: chr19-48643284-C-T.
Other names: c.938G>A, p.Gly313Asp (NM_001289063.2); c.827G>A, p.Gly276Asp (NM_001289064.2); c.1028G>A, p.Gly343Asp (NM_001320970.2); c.941G>A, p.Gly314Asp (NM_001320971.2); short protein forms G276D, G314D, G343D, G313D, G344D.
Identifiers: ClinVar variation 1428129 (VCV001428129.6), dbSNP rs1287641149, ClinGen allele CA406649846.